The following is an entry in ClinVar:

NM_001009944.3(PKD1):c.2700G>A (p.Pro900=)

Gene: PKD1 (polycystin 1, transient receptor potential channel interacting; minus strand). Cytogenetic location: 16p13.3.
Variant type: single nucleotide variant.
Coding change: c.2700G>A on transcript NM_001009944.3 (MANE Select); coding-DNA position 2700, G replaced by A.
Protein change: p.Pro900=; no amino-acid change (proline 900 retained).
Molecular consequence: synonymous variant.
Genome position (GRCh38, 1-based): chr16:2,114,323, C>T on the plus strand (G>A on the coding strand, the complement: PKD1 is on the minus strand). VCF-style: chr16-2114323-C-T. GRCh37 (hg19) VCF-style: chr16-2164324-C-T.
Other names: p.Pro900=; c.2700G>A, p.Pro900= (NM_000296.4).
Identifiers: ClinVar variation 256936 (VCV000256936.22), dbSNP rs35667726, ClinGen allele CA7833126.

ClinVar aggregate classification (germline): Benign. Review status: criteria provided, multiple submitters, no conflicts (2 of 4 stars). 12 submissions from 12 submitters: Benign (9). 3 of the submissions do not count toward it. Last evaluated 2025-03-27.

Conditions:
Autosomal dominant polycystic kidney disease. Identifiers: Orphanet 730, MedGen C0085413, MONDO:0004691.
Polycystic kidney disease, adult type (PKD1). Also called: Polycystic Kidney, Autosomal Dominant; Polycystic Kidney Disease 1, Autosomal Dominant; Polycystic kidney disease 1; Polycystic kidney disease 1, severe; POLYCYSTIC KIDNEY DISEASE 1 WITH OR WITHOUT POLYCYSTIC LIVER DISEASE; POLYCYSTIC KIDNEY DISEASE, ADULT, TYPE I. Identifiers: MedGen C3149841, MONDO:0008263, OMIM 173900.
Polycystic kidney disease. Also called: Polycystic kidney dysplasia; Kidney, Polycystic. Identifiers: MedGen C0022680, MeSH D007690, MONDO:0020642, HP:0000113.

Allele frequency attached by ClinVar (database versions not stated): 1000 Genomes Project 30x 0.02686; 1000 Genomes Project 0.02895; TOPMed 0.04171; gnomAD 0.05004 and 0.05044; ESP Exome Variant Server 0.05308; gnomAD exomes 0.05462; ExAC 0.05549.
gnomAD v4.1: 99,952 of 1,610,282 alleles (6.2%); highest among the groups gnomAD compares: Non-Finnish European, 6.8%; 3,501 homozygotes.

Submissions (12):

Women's Health and Genetics/Laboratory Corporation of America, LabCorp
Classification: Benign. Last evaluated: 2025-03-27. Review status: criteria provided, single submitter. Criteria: LabCorp Variant Classification Summary - May 2015. Collection method: clinical testing. Allele origin: germline.

Blueprint Genetics
Classification: Benign. Last evaluated: 2024-11-27. Review status: criteria provided, single submitter. Criteria: ACMG Guidelines, 2015. Collection method: clinical testing. Allele origin: germline.

Mayo Clinic Laboratories, Mayo Clinic
Classification: Benign. Last evaluated: 2022-11-15. Review status: criteria provided, single submitter. Criteria: ACMG Guidelines, 2015. Collection method: clinical testing. Allele origin: germline. Observed: 68 variant alleles.

ARUP Laboratories, Molecular Genetics and Genomics, ARUP Laboratories
Classification: Benign for Polycystic kidney disease, adult type. Last evaluated: 2020-04-22. Review status: criteria provided, single submitter. Criteria: ARUP Molecular Germline Variant Investigation Process. Collection method: clinical testing. Allele origin: germline.

GeneDx
Classification: Benign. Last evaluated: 2019-10-03. Review status: criteria provided, single submitter. Criteria: GeneDx Variant Classification Process June 2021. Collection method: clinical testing. Allele origin: germline. Affected: yes.

Molecular Genetics of Inherited Kidney Disorders Laboratory, Garvan Institute of Medical Research
Classification: Benign for Autosomal dominant polycystic kidney disease. Last evaluated: 2019-01-01. Review status: criteria provided, single submitter. Criteria: ACMG Guidelines, 2015. Collection method: research. Allele origin: germline. Affected: yes.

Athena Diagnostics
Classification: Benign for Polycystic kidney disease, adult type. Last evaluated: 2017-06-09. Review status: criteria provided, single submitter. Criteria: Athena Diagnostics Criteria. Collection method: clinical testing. Allele origin: germline.

Breakthrough Genomics
Classification: Benign. Review status: criteria provided, single submitter. Criteria: ACMG Guidelines, 2015. Collection method: not provided. Allele origin: germline. Inheritance: Autosomal dominant inheritance. Affected: yes.

PreventionGenetics, part of Exact Sciences
Classification: Benign. Review status: criteria provided, single submitter. Criteria: ACMG Guidelines, 2015. Collection method: clinical testing. Allele origin: germline.

Department of Pathology and Laboratory Medicine, Sinai Health System
Classification: Benign for Polycystic Kidney disease. Review status: no assertion criteria provided. Collection method: clinical testing. Allele origin: unknown. Affected: yes. Observed: 1 variant allele. Study: The Canadian Open Genetics Repository (COGR). Not counted in ClinVar's aggregate classification.
Comment: The c.2700G>A, p.Pro900Pro variant was identified in 5.5% of 6402 control alleles in the Exome Aggregation Consortium (March 14, 2016). According to ACMG guidelines for variant classification based on allele frequency, category BA1, this variant is considered benign and has not been further reviewed (Richards 2015).

Genome Diagnostics Laboratory, University Medical Center Utrecht
Classification: Benign. Review status: no assertion criteria provided. Collection method: clinical testing. Allele origin: germline. Affected: yes. Study: VKGL Data-share Consensus. Not counted in ClinVar's aggregate classification.

Joint Genome Diagnostic Labs from Nijmegen and Maastricht, Radboudumc and MUMC+
Classification: Benign. Review status: no assertion criteria provided. Collection method: clinical testing. Allele origin: germline. Affected: yes. Study: VKGL Data-share Consensus. Not counted in ClinVar's aggregate classification.